The following is an entry in ClinVar:

NM_003906.5(MCM3AP):c.3203C>T (p.Pro1068Leu)

Gene: MCM3AP (minichromosome maintenance complex component 3 associated protein; minus strand). Cytogenetic location: 21q22.3.
Variant type: single nucleotide variant.
Coding change: c.3203C>T on transcript NM_003906.5 (MANE Select); coding-DNA position 3203, C replaced by T.
Protein change: p.Pro1068Leu; replaces proline 1068 with leucine.
Molecular consequence: missense variant.
Genome position (GRCh38, 1-based): chr21:46,265,352, G>A on the plus strand (C>T on the coding strand, the complement: MCM3AP is on the minus strand). VCF-style: chr21-46265352-G-A. GRCh37 (hg19) VCF-style: chr21-47685266-G-A.
Other names: c.3203C>T (NM_003906.3); short protein forms P1068L.
Identifiers: ClinVar variation 1468798 (VCV001468798.5), dbSNP rs981884529, ClinGen allele CA321986020.

ClinVar aggregate classification (germline): Uncertain significance. Review status: criteria provided, multiple submitters, no conflicts (2 of 4 stars). 2 submissions from 2 submitters: Uncertain significance (2). Last evaluated 2025-08-21.

Conditions:
Inborn genetic diseases. Identifiers: MedGen C0950123, MeSH D030342.

Allele frequency attached by ClinVar (database versions not stated): gnomAD 0.00001; gnomAD exomes 0.00001 and 0.00002; TOPMed 0.00002.
gnomAD v4.1: 32 of 1,613,890 alleles (0.002%); highest among the groups gnomAD compares: Non-Finnish European, 0.0024%; no homozygotes.

Submissions (2):

Ambry Genetics
Classification: Uncertain significance for Inborn genetic diseases. Last evaluated: 2025-08-21. Review status: criteria provided, single submitter. Criteria: Ambry Variant Classification Scheme 2023. Collection method: clinical testing. Allele origin: germline.

Labcorp Genetics (formerly Invitae), Labcorp
Classification: Uncertain significance. Last evaluated: 2025-03-08. Review status: criteria provided, single submitter. Criteria: Invitae Variant Classification Sherloc (09022015). Collection method: clinical testing. Allele origin: germline.
Comment: This sequence change replaces proline, which is neutral and non-polar, with leucine, which is neutral and non-polar, at codon 1068 of the MCM3AP protein (p.Pro1068Leu). This variant is present in population databases (no rsID available, gnomAD 0.002%). This variant has not been reported in the literature in individuals affected with MCM3AP-related conditions. ClinVar contains an entry for this variant (Variation ID: 1468798). An algorithm developed to predict the effect of missense changes on protein structure and function outputs the following: PolyPhen-2: "Benign". The leucine amino acid residue is found in multiple mammalian species, which suggests that this missense change does not adversely affect protein function. In summary, the available evidence is currently insufficient to determine the role of this variant in disease. Therefore, it has been classified as a Variant of Uncertain Significance.